The following is an entry in ClinVar:

ClinVar aggregate classification (germline): Benign. Review status: criteria provided, multiple submitters, no conflicts (2 of 4 stars). 3 submissions from 3 submitters: Benign (3). Last evaluated 2021-08-19.

Conditions:
Zimmermann-Laband syndrome 3. Identifiers: MedGen C5231447, MONDO:0032854, OMIM 618658.

Allele frequency attached by ClinVar (database versions not stated): ESP Exome Variant Server 0.70514; gnomAD 0.70698 and 0.71756; TOPMed 0.72286; gnomAD exomes 0.73986 and 0.76890; ExAC 0.76157; 1000 Genomes Project 30x 0.77389; 1000 Genomes Project 0.77915.
gnomAD v4.1: 1,190,862 of 1,613,634 alleles (74%); highest among the groups gnomAD compares: East Asian, 98%; 442,919 homozygotes.

Submissions (3):

Genome-Nilou Lab
Classification: Benign for Zimmermann-Laband syndrome 3. Last evaluated: 2021-08-19. Review status: criteria provided, single submitter. Criteria: ACMG Guidelines, 2015. Collection method: clinical testing. Allele origin: germline. Affected: no.

Laboratory for Molecular Medicine, Mass General Brigham Personalized Medicine
Classification: Benign. Last evaluated: 2016-03-28. Review status: criteria provided, single submitter. Criteria: LMM Criteria. Collection method: clinical testing. Allele origin: germline.
Comment: Variant identified in a genome or exome case(s) and assessed due to predicted null impact of the variant or pathogenic assertions in the literature or databases. Disclaimer: This variant has not undergone full assessment. The following are preliminary notes: Frequency

Breakthrough Genomics
Classification: Benign. Review status: criteria provided, single submitter. Criteria: ACMG Guidelines, 2015. Collection method: not provided. Allele origin: germline. Inheritance: Autosomal dominant inheritance. Affected: yes.

NM_002249.6(KCNN3):c.1047T>C (p.Asn349=)

Gene: KCNN3 (potassium calcium-activated channel subfamily N member 3; minus strand). Cytogenetic location: 1q21.3.
Variant type: single nucleotide variant.
Coding change: c.1047T>C on transcript NM_002249.6 (MANE Select); coding-DNA position 1047, T replaced by C.
Protein change: p.Asn349=; no amino-acid change (asparagine 349 retained).
Molecular consequence: synonymous variant.
Genome position (GRCh38, 1-based): chr1:154,772,376, A>G on the plus strand (T>C on the coding strand, the complement: KCNN3 is on the minus strand). VCF-style: chr1-154772376-A-G. GRCh37 (hg19) VCF-style: chr1-154744852-A-G.
Other names: c.1047T>C, p.Asn349= (NM_001204087.2); c.108T>C, p.Asn36= (NM_001365837.1, NM_001365838.1); c.132T>C, p.Asn44= (NM_170782.3).
Identifiers: ClinVar variation 403002 (VCV000403002.7), dbSNP rs1131820, ClinGen allele CA1132141.